The following is an entry in ClinVar:

ClinVar aggregate classification (germline): Uncertain significance. Review status: criteria provided, multiple submitters, no conflicts (2 of 4 stars). 2 submissions from 2 submitters: Uncertain significance (2). Last evaluated 2023-09-26.

Conditions:
Hereditary cancer-predisposing syndrome. Also called: Tumor predisposition; Hereditary neoplastic syndrome; Hereditary Cancer Syndrome; Neoplastic Syndromes, Hereditary. Identifiers: Orphanet 140162, MedGen C0027672, MeSH D009386, MONDO:0015356.
Multiple endocrine neoplasia, type 2 (MEN2). Identifiers: Orphanet 653, MedGen C4048306, MONDO:0019003. Disease mechanism: gain of function.

Submissions (2):

Labcorp Genetics (formerly Invitae), Labcorp
Classification: Uncertain significance for Multiple endocrine neoplasia, type 2. Last evaluated: 2023-09-26. Review status: criteria provided, single submitter. Criteria: Invitae Variant Classification Sherloc (09022015). Collection method: clinical testing. Allele origin: germline.
Comment: In summary, the available evidence is currently insufficient to determine the role of this variant in disease. Therefore, it has been classified as a Variant of Uncertain Significance. An algorithm developed to predict the effect of missense changes on protein structure and function (PolyPhen-2) suggests that this variant is likely to be disruptive. ClinVar contains an entry for this variant (Variation ID: 576787). This variant has not been reported in the literature in individuals affected with RET-related conditions. This variant is not present in population databases (gnomAD no frequency). This sequence change replaces histidine, which is basic and polar, with glutamine, which is neutral and polar, at codon 333 of the RET protein (p.His333Gln).

Ambry Genetics
Classification: Uncertain significance for Hereditary cancer-predisposing syndrome. Last evaluated: 2023-07-17. Review status: criteria provided, single submitter. Criteria: Ambry Variant Classification Scheme 2023. Collection method: clinical testing. Allele origin: germline.
Comment: The p.H333Q variant (also known as c.999C>G), located in coding exon 5 of the RET gene, results from a C to G substitution at nucleotide position 999. The histidine at codon 333 is replaced by glutamine, an amino acid with highly similar properties. This amino acid position is conserved. In addition, the in silico prediction for this alteration is inconclusive. Since supporting evidence is limited at this time, the clinical significance of this alteration remains unclear.

NM_020975.6(RET):c.999C>G (p.His333Gln)

Gene: RET (ret proto-oncogene; plus strand). Cytogenetic location: 10q11.21.
Variant type: single nucleotide variant.
Coding change: c.999C>G on transcript NM_020975.6 (MANE Select); coding-DNA position 999, C replaced by G.
Protein change: p.His333Gln; replaces histidine 333 with glutamine.
Molecular consequence: missense variant.
Genome position (GRCh38, 1-based): chr10:43,106,507, C>G. VCF-style: chr10-43106507-C-G. GRCh37 (hg19) VCF-style: chr10-43601955-C-G.
Other names: c.999C>G, p.His333Gln (NM_000323.2, NM_001406743.1, NM_001406744.1 and 6 more transcripts); c.237C>G, p.His79Gln (NM_001355216.2); c.870C>G, p.His290Gln (NM_001406761.1, NM_001406762.1, NM_001406764.1 and 1 more transcripts); c.711C>G, p.His237Gln (NM_001406766.1, NM_001406767.1, NM_001406770.1); short protein forms H333Q, H79Q, H290Q, H237Q.
Identifiers: ClinVar variation 576787 (VCV000576787.11), dbSNP rs1564492193, ClinGen allele CA376546323.